The following is an entry in ClinVar:

NM_170606.3(KMT2C):c.7443-17_7443-6del

Gene: KMT2C (lysine methyltransferase 2C; minus strand). Cytogenetic location: 7q36.1.
Variant type: Deletion.
Coding change: c.7443-17_7443-6del on transcript NM_170606.3 (MANE Select); 17 bases into the intron before coding-DNA position 7443 through 6 bases into the intron before coding-DNA position 7443, 12 bases deleted (TTTTTTTTTTTT).
Molecular consequence: intron variant.
Genome position (GRCh38, 1-based): chr7:152,178,016-152,178,027, AAAAAAAAAAAA deleted on the plus strand (TTTTTTTTTTTT on the coding strand, the reverse complement: KMT2C is on the minus strand); deleting any 12 consecutive bases within chr7:152,178,016-152,178,042 gives the same sequence; the c. name uses the placement nearest the transcript's 3' end. VCF-style (leftmost placement, unchanged base first): chr7-152178015-TAAAAAAAAAAAA-T. GRCh37 (hg19) VCF-style: chr7-151875100-TAAAAAAAAAAAA-T.
Identifiers: ClinVar variation 5038858 (VCV005038858.1).

ClinVar aggregate classification (germline): Likely benign (1 of 4 stars; one submission).

Submission:

CeGaT Center for Human Genetics Tuebingen
Classification: Likely benign. Last evaluated: 2026-07-01. Review status: criteria provided, single submitter. Criteria: CeGaT Center For Human Genetics Tuebingen Variant Classification Criteria Version 2. Collection method: clinical testing. Allele origin: germline. Affected: yes. Observed: 1 variant allele.
Comment: KMT2C: BP4, BS1